The following is an entry in ClinVar:

ClinVar aggregate classification (germline): Uncertain significance (1 of 4 stars; one submission).

Conditions:
RYR1-related myopathy. Identifiers: Orphanet 98742, MedGen CN305348, MONDO:0100150.

Submission:

Victorian Clinical Genetics Services, Murdoch Childrens Research Institute
Classification: Uncertain significance for RYR1-related myopathy. Last evaluated: 2023-07-17. Review status: criteria provided, single submitter. Criteria: ACMG Guidelines, 2015. Collection method: clinical testing. Allele origin: germline. Affected: yes.
Comment: Based on the classification scheme VCGS_Germline_v1.3.4, this variant is classified as VUS-3B. Following criteria are met: 0103 - Loss of function and gain of function are known mechanisms of disease in this gene and are associated with RYR1-related disorders (OMIM). Gain of function mechanism has been described in the context of malignant hyperthermia susceptibility (MIM#145600) and congenital myopathy 1A, autosomal dominant, with susceptibility to malignant hyperthermia (MIM#117000). Biallelic congenital myopathy 1B, autosomal recessive (MIM#255320) is associated with a loss of function mechanism (PMIDs: 27855725, 23919265). The mechanism of King-Denborough syndrome (MIM#619542) is unclear. (I) 0108 - This gene is associated with both recessive and dominant disease (OMIM). (I) 0200 - Variant is predicted to result in a missense amino acid change from aspartic acid to glutamic acid. (I) 0251 - This variant is heterozygous. (I) 0301 - Variant is absent from gnomAD (both v2 and v3). (SP) 0309 - An alternative amino acid change at the same position has been observed in gnomAD (v3) (1 heterozygote, 0 homozygotes). (I) 0502 - Missense variant with conflicting in silico predictions and uninformative conservation. (I) 0604 - Variant is not located in an established domain, motif, hotspot or informative constraint region. (I) 0705 - No comparable missense variants have previous evidence for pathogenicity. (I) 0807 - This variant has no previous evidence of pathogenicity. (I) 0905 - No published segregation evidence has been identified for this variant. (I) 1007 - No published functional evidence has been identified for this variant. (I) 1208 - Inheritance information for this variant is not currently available in this individual. (I) Legend: (SP) - Supporting pathogenic, (I) - Information, (SB) - Supporting benign

Literature cited by the submitters: PubMed 23919265; PubMed 27855725.

NM_000540.3(RYR1):c.12015C>A (p.Asp4005Glu)

Gene: RYR1 (ryanodine receptor 1; plus strand). Cytogenetic location: 19q13.2.
Variant type: single nucleotide variant.
Coding change: c.12015C>A on transcript NM_000540.3 (MANE Select); coding-DNA position 12015, C replaced by A.
Protein change: p.Asp4005Glu; replaces aspartic acid 4005 with glutamic acid.
Molecular consequence: missense variant.
Genome position (GRCh38, 1-based): chr19:38,546,447, C>A. VCF-style: chr19-38546447-C-A. GRCh37 (hg19) VCF-style: chr19-39037087-C-A.
Other names: c.12000C>A, p.Asp4000Glu (NM_001042723.2); short protein forms D4000E, D4005E.
Identifiers: ClinVar variation 3376787 (VCV003376787.1).